The following is an entry in ClinVar:

NM_001430.5(EPAS1):c.133C>G (p.His45Asp)

Gene: EPAS1 (endothelial PAS domain protein 1; plus strand). Cytogenetic location: 2p21.
Variant type: single nucleotide variant.
Coding change: c.133C>G on transcript NM_001430.5 (MANE Select); coding-DNA position 133, C replaced by G.
Protein change: p.His45Asp; replaces histidine 45 with aspartic acid.
Molecular consequence: missense variant.
Genome position (GRCh38, 1-based): chr2:46,346,979, C>G. VCF-style: chr2-46346979-C-G. GRCh37 (hg19) VCF-style: chr2-46574118-C-G.
Other names: short protein forms H45D.
Identifiers: ClinVar variation 2626659 (VCV002626659.2), dbSNP rs766269051, ClinGen allele CA346697096.

ClinVar aggregate classification (germline): Uncertain significance (1 of 4 stars; one submission).

Conditions:
Inborn genetic diseases. Identifiers: MedGen C0950123, MeSH D030342.

Submission:

Ambry Genetics
Classification: Uncertain significance for Inborn genetic diseases. Last evaluated: 2023-08-24. Review status: criteria provided, single submitter. Criteria: Ambry Variant Classification Scheme 2023. Collection method: clinical testing. Allele origin: germline.
Comment: The p.H45D variant (also known as c.133C>G), located in coding exon 2 of the EPAS1 gene, results from a C to G substitution at nucleotide position 133. The histidine at codon 45 is replaced by aspartic acid, an amino acid with similar properties. This amino acid position is conserved. In addition, this alteration is predicted to be tolerated by in silico analysis. Since supporting evidence is limited at this time, the clinical significance of this alteration remains unclear.